The following is an entry in ClinVar:

ClinVar aggregate classification (germline): Pathogenic (1 of 4 stars; one submission).

gnomAD v4.1: 5 of 1,540,120 alleles (0.00032%); highest among the groups gnomAD compares: South Asian, 0.0022%; no homozygotes.

Submission:

Labcorp Genetics (formerly Invitae), Labcorp
Classification: Pathogenic. Last evaluated: 2025-05-27. Review status: criteria provided, single submitter. Criteria: Invitae Variant Classification Sherloc (09022015). Collection method: clinical testing. Allele origin: germline.
Comment: This sequence change creates a premature translational stop signal (p.Gln121*) in the GUCY1A1 gene. It is expected to result in an absent or disrupted protein product. Loss-of-function variants in GUCY1A1 are known to be pathogenic (PMID: 24581742). This variant is not present in population databases (gnomAD no frequency). This variant has not been reported in the literature in individuals affected with GUCY1A1-related conditions. Algorithms developed to predict the effect of sequence changes on RNA splicing suggest that this variant may disrupt the consensus splice site. For these reasons, this variant has been classified as Pathogenic.

Literature cited by the submitters: PubMed 24581742.

NM_001130682.3(GUCY1A1):c.361C>T (p.Gln121Ter)

Gene: GUCY1A1 (guanylate cyclase 1 soluble subunit alpha 1; plus strand). Cytogenetic location: 4q32.1.
Variant type: single nucleotide variant.
Coding change: c.361C>T on transcript NM_001130682.3 (MANE Select); coding-DNA position 361, C replaced by T.
Protein change: p.Gln121Ter; replaces glutamine 121 with a stop codon.
Molecular consequence: nonsense. On other transcripts: 5 prime UTR variant (2).
Genome position (GRCh38, 1-based): chr4:155,708,279, C>T. VCF-style: chr4-155708279-C-T. GRCh37 (hg19) VCF-style: chr4-156629431-C-T.
Other names: c.361C>T, p.Gln121Ter (NM_000856.6, NM_001130683.4, NM_001130684.3 and 13 more transcripts); c.-345C>T (NM_001130685.3, NM_001440518.1); short protein forms Q121*.
Identifiers: ClinVar variation 4779848 (VCV004779848.1).
Genomic context (GRCh38, chr4:155,708,279, plus strand): 5'-TATTGAAATATTTCCAGGAAATCTTTGGAAAGAGAAGACTTTGAAAAAACAATTGCAGAG[C>T]AAGCAGTTGCAGCAGGTAATAGAATTGTTTATGTAATTAGAAAGTATGCCATATACCTGT-3'